The following is an entry in ClinVar:

NM_000152.5(GAA):c.2084T>C (p.Met695Thr)

Gene: GAA (alpha glucosidase; plus strand). Cytogenetic location: 17q25.3.
Variant type: single nucleotide variant.
Coding change: c.2084T>C on transcript NM_000152.5 (MANE Select); coding-DNA position 2084, T replaced by C.
Protein change: p.Met695Thr; replaces methionine 695 with threonine.
Molecular consequence: missense variant.
Genome position (GRCh38, 1-based): chr17:80,113,261, T>C. VCF-style: chr17-80113261-T-C. GRCh37 (hg19) VCF-style: chr17-78087060-T-C.
Other names: c.2084T>C, p.Met695Thr (NM_001079803.3, NM_001079804.3); short protein forms M695T.
Identifiers: ClinVar variation 1520965 (VCV001520965.5), dbSNP rs2143895805, ClinGen allele CA401370462.

ClinVar aggregate classification (germline): Uncertain significance (1 of 4 stars; one submission).

Conditions:
Glycogen storage disease, type II (IOPD). Also called: Glucosidase acid-1,4-alpha deficiency; CARDIOMEGALIA GLYCOGENICA DIFFUSA; GLYCOGENOSIS, GENERALIZED, CARDIAC FORM; GSD II; Glycogen storage disease type 2; Acid maltase deficiency disease. Identifiers: Orphanet 365, MedGen C0017921, MONDO:0009290, OMIM 232300.

Allele frequency attached by ClinVar (database versions not stated): gnomAD exomes below 0.00001.
gnomAD v4.1: 3 of 1,602,352 alleles (0.00019%); highest among the groups gnomAD compares: Non-Finnish European, 0.00026%; no homozygotes.

Submission:

Labcorp Genetics (formerly Invitae), Labcorp
Classification: Uncertain significance for Glycogen storage disease, type II. Last evaluated: 2021-09-24. Review status: criteria provided, single submitter. Criteria: Invitae Variant Classification Sherloc (09022015). Collection method: clinical testing. Allele origin: germline.
Comment: This sequence change replaces methionine with threonine at codon 695 of the GAA protein (p.Met695Thr). The methionine residue is highly conserved and there is a moderate physicochemical difference between methionine and threonine. This variant is not present in population databases (ExAC no frequency). This variant has not been reported in the literature in individuals with GAA-related conditions. Advanced modeling of protein sequence and biophysical properties (such as structural, functional, and spatial information, amino acid conservation, physicochemical variation, residue mobility, and thermodynamic stability) performed at Invitae indicates that this missense variant is not expected to disrupt GAA protein function. In summary, the available evidence is currently insufficient to determine the role of this variant in disease. Therefore, it has been classified as a Variant of Uncertain Significance.